The following is an entry in ClinVar:

ClinVar aggregate classification (germline): Pathogenic. Review status: criteria provided, single submitter (1 of 4 stars). 3 submissions from 3 submitters: Pathogenic (1). 2 of the submissions do not count toward it. Last evaluated 2024-04-07.

Conditions:
VISS syndrome. Also called: VASCULAR ANEURYSM, IMMUNE DYSREGULATION, SKELETAL ANOMALIES, AND SKIN AND JOINT LAXITY. Identifiers: MedGen C5561955, MONDO:0859177, OMIM 619472.
IPO8 related Connective tissue disorder.

Allele frequency attached by ClinVar (database versions not stated): gnomAD 0.00001; gnomAD exomes 0.00001; TOPMed 0.00001; ExAC 0.00002.

Submissions (3):

Molecular Genetics, Royal Melbourne Hospital
Classification: Pathogenic for VISS syndrome. Last evaluated: 2024-04-07. Review status: criteria provided, single submitter. Criteria: ACMG Guidelines, 2015. Collection method: clinical testing. Allele origin: germline. Inheritance: Autosomal recessive inheritance.
Comment: This sequence change in IPO8 is a frameshift variant predicted to cause a premature stop codon, p.(Leu760Profs*10), in biologically relevant exon 21/25 leading to nonsense-mediated decay in a gene in which loss-of-function is an established disease mechanism (PMID: 34010605, 34010604, 33875846). The highest population minor allele frequency in the population database gnomAD v4.0 is 0.001% (14/1,179,762 alleles) in the European (non-Finnish) population, which is consistent with recessive disease. This variant has been observed in trans with a pathogenic variant (ClinVar ID: 1047915) in an individual with syndromic thoracic aortic aneurysm (PMID: 34010604). Based on the classification scheme RMH Modified ACMG/AMP Guidelines v1.6.1, this variant is classified as PATHOGENIC. Following criteria are met: PVS1, PM3, PM2_Supporting.

OMIM
Classification: Pathogenic for VISS SYNDROME. Last evaluated: 2021-08-12. Review status: no assertion criteria provided. Collection method: literature only. Allele origin: germline. Not counted in ClinVar's aggregate classification.

Biochemistry and Genetics Laboratory, University Hospital of Angers
Classification: Pathogenic for IPO8 related Connective tissue disorder. Last evaluated: 2021-04-22. Review status: no assertion criteria provided. Collection method: research. Allele origin: inherited. Affected: yes. Not counted in ClinVar's aggregate classification.

Literature cited by the submitters: PubMed 33875846 (cited by Molecular Genetics, Royal Melbourne Hospital); PubMed 34010604 (cited by Molecular Genetics, Royal Melbourne Hospital and OMIM); PubMed 34010605 (cited by Molecular Genetics, Royal Melbourne Hospital).

NM_006390.4(IPO8):c.2279del (p.Leu760fs)

Gene: IPO8 (importin 8; minus strand). Cytogenetic location: 12p11.21.
Variant type: Deletion.
Coding change: c.2279del on transcript NM_006390.4 (MANE Select); coding-DNA position 2279, one base deleted (T; older notation c.2279delT).
Protein change: p.Leu760fs; shifts the reading frame from leucine 760.
Molecular consequence: frameshift variant.
Genome position (GRCh38, 1-based): chr12:30,639,725, A deleted on the plus strand (T on the coding strand, the reverse complement: IPO8 is on the minus strand). VCF-style (leftmost placement, unchanged base first): chr12-30639724-GA-G. GRCh37 (hg19) VCF-style: chr12-30792658-GA-G.
Other names: c.1664del, p.Leu555fs (NM_001190995.2); c.2279delT (NM_006390.3, NM_006390.4); short protein forms L555fs, L760fs.
Identifiers: ClinVar variation 1064727 (VCV001064727.5), dbSNP rs775937664, ClinGen allele CA6498662.